The following is an entry in ClinVar:

ClinVar aggregate classification (germline): Uncertain significance (1 of 4 stars; one submission).

Conditions:
Epileptic encephalopathy. Identifiers: MedGen C0543888, HP:0200134.

Submission:

Labcorp Genetics (formerly Invitae), Labcorp
Classification: Uncertain significance for Epileptic encephalopathy. Last evaluated: 2024-12-02. Review status: criteria provided, single submitter. Criteria: Invitae Variant Classification Sherloc (09022015). Collection method: clinical testing. Allele origin: germline.
Comment: This sequence change replaces phenylalanine, which is neutral and non-polar, with leucine, which is neutral and non-polar, at codon 670 of the GABBR2 protein (p.Phe670Leu). This variant is not present in population databases (gnomAD no frequency). This variant has not been reported in the literature in individuals affected with GABBR2-related conditions. Invitae Evidence Modeling of protein sequence and biophysical properties (such as structural, functional, and spatial information, amino acid conservation, physicochemical variation, residue mobility, and thermodynamic stability) indicates that this missense variant is not expected to disrupt GABBR2 protein function with a negative predictive value of 80%. In summary, the available evidence is currently insufficient to determine the role of this variant in disease. Therefore, it has been classified as a Variant of Uncertain Significance.

NM_005458.8(GABBR2):c.2008T>C (p.Phe670Leu)

Gene: GABBR2 (gamma-aminobutyric acid type B receptor subunit 2; minus strand). Cytogenetic location: 9q22.33.
Variant type: single nucleotide variant.
Coding change: c.2008T>C on transcript NM_005458.8 (MANE Select); coding-DNA position 2008, T replaced by C.
Protein change: p.Phe670Leu; replaces phenylalanine 670 with leucine.
Molecular consequence: missense variant.
Genome position (GRCh38, 1-based): chr9:98,306,342, A>G on the plus strand (T>C on the coding strand, the complement: GABBR2 is on the minus strand). VCF-style: chr9-98306342-A-G. GRCh37 (hg19) VCF-style: chr9-101068624-A-G.
Other names: short protein forms F670L.
Identifiers: ClinVar variation 3695018 (VCV003695018.2).
Genomic context (GRCh38, chr9:98,306,342, plus strand): 5'-TGCTGTCGTTGAGTGCGGGGATGCTGACGTTGCGGGTCTCCCAAGCTAAGAAACAACCGA[A>G]CAACTGAAATGGTGAACAGAAAGGGGAGAGATGATCGTTACCAAGGGGTGGCACACACAG-3'
Protein context (NP_005449.5, residues 660-680): VYAYKGLLML[Phe670Leu]GCFLAWETRN